The following is an entry in ClinVar:

NM_005141.5(FGB):c.315G>T (p.Leu105Phe)

Gene: FGB (fibrinogen beta chain; plus strand). Cytogenetic location: 4q31.3.
Variant type: single nucleotide variant.
Coding change: c.315G>T on transcript NM_005141.5 (MANE Select); coding-DNA position 315, G replaced by T.
Protein change: p.Leu105Phe; replaces leucine 105 with phenylalanine.
Molecular consequence: missense variant. On other transcripts: intron variant (2).
Genome position (GRCh38, 1-based): chr4:154,566,497, G>T. VCF-style: chr4-154566497-G-T. GRCh37 (hg19) VCF-style: chr4-155487649-G-T.
Other names: c.315G>T, p.Leu105Phe (NM_001382760.1, NM_001382761.1, NM_001382762.1 and 3 more transcripts); c.166-28G>T (NM_001184741.1); c.307-124G>T (NM_001382759.1); short protein forms L105F.
Identifiers: ClinVar variation 4880984 (VCV004880984.2).

ClinVar aggregate classification (germline): Uncertain significance (1 of 4 stars; one submission).

gnomAD v4.1: 1 of 1,613,970 alleles (0.000062%); highest among the groups gnomAD compares: Admixed American, 0.0017%; no homozygotes.

Submission:

Dasa
Classification: Uncertain significance. Last evaluated: 2025-06-06. Review status: criteria provided, single submitter. Criteria: DASA Assertion Criteria. Collection method: clinical testing. Allele origin: germline.
Comment: NM_005141.5(FGB):c.315G>T (p.Leu105Phe) is a missense variant that results in the substitution of leucine with phenylalanine. This variant is rare in population databases. The currently available literature and clinical evidence are not sufficient to establish a definitive association between this variant and the reported condition. Therefore, this variant is classified as a variant of uncertain significance.